The following is an entry in ClinVar:

ClinVar aggregate classification (germline): Likely pathogenic (1 of 4 stars; one submission).

Conditions:
Dilated cardiomyopathy 1G (CMD1G). Identifiers: Orphanet 154, MedGen C1858763, MONDO:0011400, OMIM 604145.
Autosomal recessive limb-girdle muscular dystrophy type 2J (LGMDR10). Also called: Limb-girdle muscular dystrophy, type 2J; MUSCULAR DYSTROPHY, LIMB-GIRDLE, AUTOSOMAL RECESSIVE 10. Identifiers: Orphanet 140922, MedGen C1837342, MONDO:0012127, OMIM 608807.

Submission:

Labcorp Genetics (formerly Invitae), Labcorp
Classification: Likely pathogenic for Dilated cardiomyopathy 1G; Limb-girdle muscular dystrophy, type 2J. Last evaluated: 2018-11-13. Review status: criteria provided, single submitter. Criteria: Invitae Variant Classification Sherloc (09022015). Collection method: clinical testing. Allele origin: germline.
Comment: This sequence change results in a premature translational stop signal in the TTN gene (p.Lys22959Argfs*9).Â¬â€ While this is not anticipated to result in nonsense mediated decay, it is expected to create a truncated TTN protein. This variant is not present in population databases (ExAC no frequency). This variant has not been reported in the literature in individuals with TTN-related disease. This variant is located in the A band of TTN (PMID: 25589632).Â¬â€ Truncating variants in this region are significantly overrepresented in patients affected with dilated cardiomyopathy (PMID: 25589632).Â¬â€ Truncating variants in this region have also been reported in individuals affected with autosomal recessive centronuclear myopathy (PMID: 23975875). In summary, the currently available evidence indicates that the variant is pathogenic, but additional data are needed to prove that conclusively. Therefore, this variant has been classified as Likely Pathogenic.

Literature cited by the submitters: PubMed 25589632; PubMed 23975875.

NM_001267550.2(TTN):c.68876_68883del (p.Lys22959fs)

Genes: TTN-AS1 (TTN antisense RNA 1; plus strand), TTN (titin; minus strand). Cytogenetic location: 2q31.2.
Variant type: Deletion.
Coding change: c.68876_68883del on transcript NM_001267550.2 (MANE Select); coding-DNA positions 68876 to 68883, 8 bases deleted (AAGCAGGG; older notation c.68876_68883delAAGCAGGG).
Protein change: p.Lys22959fs; shifts the reading frame from lysine 22959.
Molecular consequence: frameshift variant.
Genome position (GRCh38, 1-based): chr2:178,577,452-178,577,459, CCCTGCTT deleted on the plus strand (AAGCAGGG on the coding strand, the reverse complement: TTN is on the minus strand). VCF-style (leftmost placement, unchanged base first): chr2-178577451-CCCCTGCTT-C. GRCh37 (hg19) VCF-style: chr2-179442178-CCCCTGCTT-C.
Other names: c.68876_68883delAAGCAGGG (NM_001267550.2); c.63953_63960del, p.Lys21318fs (NM_001256850.1); c.41681_41688del, p.Lys13894fs (NM_003319.4); c.61172_61179del, p.Lys20391fs (NM_133378.4); c.42056_42063del, p.Lys14019fs (NM_133432.3); c.42257_42264del, p.Lys14086fs (NM_133437.4); short protein forms K20391fs, K13894fs, K14019fs, K21318fs, K14086fs, K22959fs.
Identifiers: ClinVar variation 660224 (VCV000660224.1), dbSNP rs1575832346, ClinGen allele CA915942158.